The following is an entry in ClinVar:

ClinVar aggregate classification (germline): Likely pathogenic (1 of 4 stars; one submission).

Conditions:
Combined immunodeficiency due to STIM1 deficiency. Also called: STIM1 DEFICIENCY; IMMUNODEFICIENCY 10. Identifiers: Orphanet 169090, Orphanet 317430, MedGen C2748557, MONDO:0013008, OMIM 612783.
Stormorken syndrome (STRMK). Also called: THROMBOCYTOPATHY, ASPLENIA, AND MIOSIS. Identifiers: Orphanet 3204, MedGen C1861451, MONDO:0008497, OMIM 185070.
Myopathy with tubular aggregates (TAM). Also called: Tubular Aggregate Myopathy. Identifiers: Orphanet 2593, MedGen C0410207, MONDO:0008051.

Submission:

Labcorp Genetics (formerly Invitae), Labcorp
Classification: Likely pathogenic for Myopathy with tubular aggregates; Combined immunodeficiency due to STIM1 deficiency; Stormorken syndrome. Last evaluated: 2023-11-27. Review status: criteria provided, single submitter. Criteria: Invitae Variant Classification Sherloc (09022015). Collection method: clinical testing. Allele origin: germline.
Comment: This variant results in a copy number gain of the genomic region encompassing exon(s) 3 of the STIM1 gene. While the exact position of this variant cannot be determined from the data, sub-genic copy number gains are generally in tandem (PMID: 25640679). This variant is predicted to be out-of-frame, and may result in an absent or disrupted protein product. Loss-of-function variants in STIM1 are known to be pathogenic (PMID: 19420366, 20876309). This variant has not been reported in the literature in individuals affected with STIM1-related conditions. In summary, the currently available evidence indicates that the variant is pathogenic, but additional data are needed to prove that conclusively. Therefore, this variant has been classified as Likely Pathogenic.

Literature cited by the submitters: PubMed 25640679; PubMed 19420366; PubMed 20876309.

NC_000011.9:g.(?_4045083)_(4045237_?)dup

Gene: STIM1 (stromal interaction molecule 1; plus strand). Cytogenetic location: 11p15.4.
Variant type: Duplication.
Identifiers: ClinVar variation 2424636 (VCV002424636.3).